The following is an entry in ClinVar:

ClinVar aggregate classification (germline): Uncertain significance (1 of 4 stars; one submission).

Conditions:
Developmental and epileptic encephalopathy, 70. Also called: EPILEPTIC ENCEPHALOPATHY, EARLY INFANTILE, 70. Identifiers: MedGen C4749023, MONDO:0032663, OMIM 618298.

Submission:

Victorian Clinical Genetics Services, Murdoch Childrens Research Institute
Classification: Uncertain significance for Developmental and epileptic encephalopathy, 70. Last evaluated: 2022-02-02. Review status: criteria provided, single submitter. Criteria: ACMG Guidelines, 2015. Collection method: clinical testing. Allele origin: germline. Inheritance: Autosomal dominant inheritance. Affected: yes.
Comment: Based on the classification scheme VCGS_Germline_v1.3.4, this variant is classified as VUS-3A. Following criteria are met: 0104 - Dominant negative is a likely mechanism of disease in this gene and is associated with developmental and epileptic encephalopathy 70 (MIM#618298). Functional assays have demonstrated that missense variants co-electroporated with wildtype constructs into corticol neurons maintained neuronal migration defects. However, there is also evidence indicating increased PPI binding, suggestive of a gain of function mechanism (PMID: 30256902; PMID: 33463715). (I) 0107 - This gene is associated with autosomal dominant disease. (I) 0200 - Variant is predicted to result in a missense amino acid change from asparagine to serine. (I) 0251 - This variant is heterozygous. (I) 0301 - Variant is absent from gnomAD (both v2 and v3). (SP) 0309 - An alternative amino acid change at the same position has been observed in gnomAD (v2) (1 heterozygote, 0 homozygotes). (I) 0502 - Missense variant with conflicting in silico predictions and uninformative conservation. (I) 0602 - Variant is located in a hotspot region or cluster of pathogenic variants. Pathogenic missense variants have been demonstrated to cluster within the RPEL repeat domains (PMID: 30256902, PMID: 33463715). (SP) 0705 - No comparable missense variants have previous evidence for pathogenicity. (I) 0807 - This variant has no previous evidence of pathogenicity. (I) 0905 - No published segregation evidence has been identified for this variant. (I) 1007 - No published functional evidence has been identified for this variant. (I) 1208 - Inheritance information for this variant is not currently available in this individual. (I) Legend: (SP) - Supporting pathogenic, (I) - Information, (SB) - Supporting benign

Literature cited by the submitters: PubMed 30256902; PubMed 33463715.

NM_030948.6(PHACTR1):c.1454A>G (p.Asn485Ser)

Genes: PHACTR1 (phosphatase and actin regulator 1; plus strand), TBC1D7-LOC100130357 (TBC1D7-LOC100130357 readthrough; minus strand), LOC100130357 (uncharacterized LOC100130357; minus strand), LOC129995804 (ATAC-STARR-seq lymphoblastoid active region 24022; plus strand). Cytogenetic location: 6p24.1.
Variant type: single nucleotide variant.
Coding change: c.1454A>G on transcript NM_030948.6 (MANE Select); coding-DNA position 1454, A replaced by G.
Protein change: p.Asn485Ser; replaces asparagine 485 with serine.
Molecular consequence: missense variant. On other transcripts: intron variant (1).
Genome position (GRCh38, 1-based): chr6:13,278,274, A>G. VCF-style: chr6-13278274-A-G. GRCh37 (hg19) VCF-style: chr6-13278506-A-G.
Other names: c.1454A>G, p.Asn485Ser (NM_001242648.4, NM_001322308.3, NM_001322309.3 and 1 more transcripts); c.1661A>G, p.Asn554Ser (NM_001322310.2); c.1178A>G, p.Asn393Ser (NM_001322311.2, NM_001322312.3, NM_001374583.2); c.1385A>G, p.Asn462Ser (NM_001322313.2); c.1664A>G, p.Asn555Ser (NM_001322314.4); c.*40-10439T>C (NM_001318809.2); short protein forms N393S, N462S, N485S, N554S, N555S.
Identifiers: ClinVar variation 1699256 (VCV001699256.3), dbSNP rs2127468177, ClinGen allele CA362761419.
Genomic context (GRCh38, chr6:13,278,274, plus strand): 5'-CTGTACACAACACTGTTTACTGAAATAAAAAAACATCTTAAATATTTTTTTTAGCTCGGA[A>G]TGAACAAGAGGAACAGGAGGAGAAGAGAGAGATCAAGAGGAGGCTAACCCGAAAGGTAGG-3'
Protein context (NP_112210.1, residues 475-495): LEQRNILKPR[Asn485Ser]EQEEQEEKRE